The following is an entry in ClinVar:

NM_015570.4(AUTS2):c.2976G>A (p.Leu992=)

Gene: AUTS2 (activator of transcription and developmental regulator AUTS2; plus strand). Cytogenetic location: 7q11.22.
Variant type: single nucleotide variant.
Coding change: c.2976G>A on transcript NM_015570.4 (MANE Select); coding-DNA position 2976, G replaced by A.
Protein change: p.Leu992=; no amino-acid change (leucine 992 retained).
Molecular consequence: synonymous variant.
Genome position (GRCh38, 1-based): chr7:70,790,192, G>A. VCF-style: chr7-70790192-G-A. GRCh37 (hg19) VCF-style: chr7-70255178-G-A.
Other names: c.2904G>A, p.Leu968= (NM_001127231.3).
Identifiers: ClinVar variation 3257170 (VCV003257170.17).

ClinVar aggregate classification (germline): Likely benign (1 of 4 stars; one submission).

gnomAD v4.1: 3 of 1,612,400 alleles (0.00019%); highest among the groups gnomAD compares: East Asian, 0.0022%; no homozygotes.

Submission:

CeGaT Center for Human Genetics Tuebingen
Classification: Likely benign. Last evaluated: 2024-07-01. Review status: criteria provided, single submitter. Criteria: CeGaT Center For Human Genetics Tuebingen Variant Classification Criteria Version 2. Collection method: clinical testing. Allele origin: germline. Affected: yes. Observed: 1 variant allele.
Comment: AUTS2: BP4, BP7